The following is an entry in ClinVar:

NM_001282597.3(CTNNA2):c.1168_1171del (p.Asp390fs)

Gene: CTNNA2 (catenin alpha 2; plus strand). Cytogenetic location: 2p12.
Variant type: Deletion.
Coding change: c.1168_1171del on transcript NM_001282597.3 (MANE Select); coding-DNA positions 1168 to 1171, 4 bases deleted (GACT; older notation c.1168_1171delGACT).
Protein change: p.Asp390fs; shifts the reading frame from aspartic acid 390.
Molecular consequence: frameshift variant.
Genome position (GRCh38, 1-based): chr2:80,419,479-80,419,482, GACT deleted; deleting any 4 consecutive bases within chr2:80,419,477-80,419,482 gives the same sequence; the c. name uses the placement nearest the transcript's 3' end. VCF-style (leftmost placement, unchanged base first): chr2-80419476-TCTGA-T. GRCh37 (hg19) VCF-style: chr2-80646601-TCTGA-T.
Other names: c.1168_1171del, p.Asp390fs (NM_001164883.2, NM_001399737.1, NM_004389.4); c.1270_1273del, p.Asp424fs (NM_001282598.2); c.205_208del, p.Asp69fs (NM_001282599.2); c.64_67del, p.Asp22fs (NM_001282600.2, NM_001320810.2); short protein forms D22fs, D390fs, D424fs, D69fs.
Identifiers: ClinVar variation 4854833 (VCV004854833.1).

ClinVar aggregate classification (germline): Likely pathogenic (1 of 4 stars; one submission).

Conditions:
Cortical dysplasia, complex, with other brain malformations 9. Identifiers: MedGen C4748540, MONDO:0032578, OMIM 618174.

Submission:

3billion
Classification: Likely pathogenic for Cortical dysplasia, complex, with other brain malformations 9. Last evaluated: 2025-06-30. Review status: criteria provided, single submitter. Criteria: ACMG Guidelines, 2015. Collection method: clinical testing. Allele origin: germline. Affected: yes.
Comment: The variant is not observed in the gnomAD v4.1.0 dataset. Predicted Consequence/Location: Frameshift: predicted to result in a loss or disruption of normal protein function through nonsense-mediated decay (NMD) or protein truncation. Multiple pathogenic variants are reported downstream of the variant. Therefore, this variant is classified as Likely pathogenic according to the recommendation of ACMG/AMP guideline.